The following is an entry in ClinVar:

NM_006721.4(ADK):c.2T>C (p.Met1Thr)

Gene: ADK (adenosine kinase; plus strand). Cytogenetic location: 10q22.2.
Variant type: single nucleotide variant.
Coding change: c.2T>C on transcript NM_006721.4 (MANE Select); coding-DNA position 2, T replaced by C.
Protein change: p.Met1Thr; changes the start codon (methionine 1).
Molecular consequence: missense variant, initiator codon variant.
Genome position (GRCh38, 1-based): chr10:74,151,280, T>C. VCF-style: chr10-74151280-T-C. GRCh37 (hg19) VCF-style: chr10-75911038-T-C.
Other names: c.2T>C, p.Met1Thr (NM_001202450.2, NM_001369123.1); c.2T>C (NM_006721.3); short protein forms M1T.
Identifiers: ClinVar variation 3597279 (VCV003597279.2).
Genomic context (GRCh38, chr10:74,151,280, plus strand): 5'-GACCAGAGAGTGGATGGCAGAGGTGGGCTGTAGAGCCAAAGTGGGGTGGGAGCGCGAAGA[T>C]GGCAGCTGCTGAGGAGGAGCCGAAGCCCAAAAAGCTGAAGGTGGAGGCGCCGCAAGCGCT-3'
Protein context (NP_006712.2, residues 1-11): [Met1Thr]AAAEEEPKPK

ClinVar aggregate classification (germline): Conflicting classifications of pathogenicity. Review status: criteria provided, conflicting classifications (1 of 4 stars). 2 submissions from 2 submitters: Likely pathogenic (1); Uncertain significance (1). Last evaluated 2026-01-08.

Conditions:
Inborn genetic diseases. Identifiers: MedGen C0950123, MeSH D030342.
Adenosine kinase deficiency. Also called: Hypermethioninemia due to adenosine kinase deficiency; MENTAL RETARDATION, AUTOSOMAL RECESSIVE 8. Identifiers: Orphanet 289290, Orphanet 88616, MedGen C4706555, MONDO:0100255, OMIM 614300.

Submissions (2):

Ambry Genetics
Classification: Uncertain significance for Inborn genetic diseases. Last evaluated: 2026-01-08. Review status: criteria provided, single submitter. Criteria: Ambry Variant Classification Scheme 2023. Collection method: clinical testing. Allele origin: germline.
Comment: The c.2T>C (p.M1?) alteration is located in coding exon 1 of the ADK gene and consists of a T to C substitution at nucleotide position 1. This changes the amino acid from a methionine to a (?) at the initiation codon. Sequence variations that modify the initiation codon (ATG) are expected to cause a shift in the mRNA reading frame and are typically deleterious in nature (Richards, 2015). However, there is an alternative initiation (or start) codon in other clinically/biologically relevant transcript(s). This variant was not reported in population-based cohorts in the Genome Aggregation Database (gnomAD). Based on insufficient or conflicting evidence, the clinical significance of this alteration remains unclear.

Fulgent Genetics
Classification: Likely pathogenic for Adenosine kinase deficiency. Last evaluated: 2024-03-30. Review status: criteria provided, single submitter. Criteria: ACMG Guidelines, 2015. Collection method: clinical testing. Allele origin: germline.